The following is an entry in ClinVar:

NM_001271.4(CHD2):c.2189+4A>T

Gene: CHD2 (chromodomain helicase DNA binding protein 2; plus strand). Cytogenetic location: 15q26.1.
Variant type: single nucleotide variant.
Coding change: c.2189+4A>T on transcript NM_001271.4 (MANE Select); 4 bases into the intron after coding-DNA position 2189, A replaced by T.
Molecular consequence: intron variant.
Genome position (GRCh38, 1-based): chr15:92,967,517, A>T. VCF-style: chr15-92967517-A-T. GRCh37 (hg19) VCF-style: chr15-93510747-A-T.
Identifiers: ClinVar variation 2645722 (VCV002645722.24), dbSNP rs1449917353, ClinGen allele CA2695197378.

ClinVar aggregate classification (germline): Uncertain significance (1 of 4 stars; one submission).

Submission:

CeGaT Center for Human Genetics Tuebingen
Classification: Uncertain significance. Last evaluated: 2023-07-01. Review status: criteria provided, single submitter. Criteria: CeGaT Center For Human Genetics Tuebingen Variant Classification Criteria Version 2. Collection method: clinical testing. Allele origin: germline. Affected: yes. Observed: 1 variant allele.
Comment: CHD2: PM2, BP4